The following is an entry in ClinVar:

ClinVar aggregate classification (germline): Uncertain significance. Review status: criteria provided, multiple submitters, no conflicts (2 of 4 stars). 3 submissions from 3 submitters: Uncertain significance (3). Last evaluated 2025-09-05.

Conditions:
Hereditary cancer-predisposing syndrome. Also called: Hereditary neoplastic syndrome; Neoplastic Syndromes, Hereditary; Hereditary Cancer Syndrome; Tumor predisposition. Identifiers: Orphanet 140162, MedGen C0027672, MeSH D009386, MONDO:0015356.
Gastric adenocarcinoma and proximal polyposis of the stomach (GAPPS). Also called: Polyposis, gastric, Dos Santos and de Magalhaes 1980; POLYPOSIS, GASTRIC; Gastric Adenocarcinoma and Proximal Polyposis of the Stomach (GAPPS). Identifiers: Orphanet 314022, MedGen C4749917, MONDO:0017790, OMIM 619182.
Gastric cancer. Also called: Stomach cancer; Malignant tumor of stomach. Identifiers: MedGen C0024623, MeSH D013274, MONDO:0001056, OMIM 613659, HP:0012126.
Desmoid disease, hereditary (DESMD). Also called: FIBROMATOSIS, FAMILIAL INFILTRATIVE. Identifiers: Orphanet 873, MedGen C1851124, OMIM 135290. Disease mechanism: loss of function.
Familial adenomatous polyposis 1 (FAP1). Also called: FAMILIAL ADENOMATOUS POLYPOSIS 1, ATTENUATED; POLYPOSIS, ADENOMATOUS INTESTINAL. Identifiers: MedGen C2713442, MONDO:0021056, OMIM 175100. Disease mechanism: loss of function.
Colorectal cancer. Also called: Malignant Colorectal Neoplasm; Colorectal cancer, somatic. Identifiers: MedGen C0346629, MONDO:0005575, OMIM 114500.
Hepatocellular carcinoma (HCC). Also called: Primary carcinoma of liver; HEPATOMA; LIVER CELL CARCINOMA. Identifiers: Orphanet 88673, MedGen C2239176, MONDO:0007256, OMIM 114550, HP:0001402.

Submissions (3):

Labcorp Genetics (formerly Invitae), Labcorp
Classification: Uncertain significance for Familial adenomatous polyposis 1. Last evaluated: 2025-09-05. Review status: criteria provided, single submitter. Criteria: Invitae Variant Classification Sherloc (09022015). Collection method: clinical testing. Allele origin: germline.
Comment: This sequence change replaces lysine, which is basic and polar, with glutamic acid, which is acidic and polar, at codon 2689 of the APC protein (p.Lys2689Glu). This variant is not present in population databases (gnomAD no frequency). This variant has not been reported in the literature in individuals affected with APC-related conditions. ClinVar contains an entry for this variant (Variation ID: 537454). Invitae Evidence Modeling of protein sequence and biophysical properties (such as structural, functional, and spatial information, amino acid conservation, physicochemical variation, residue mobility, and thermodynamic stability) indicates that this missense variant is not expected to disrupt APC protein function with a negative predictive value of 95%. In summary, the available evidence is currently insufficient to determine the role of this variant in disease. Therefore, it has been classified as a Variant of Uncertain Significance.

Ambry Genetics
Classification: Uncertain significance for Hereditary cancer-predisposing syndrome. Last evaluated: 2024-08-05. Review status: criteria provided, single submitter. Criteria: Ambry Variant Classification Scheme 2023. Collection method: clinical testing. Allele origin: germline.
Comment: The p.K2689E variant (also known as c.8065A>G), located in coding exon 15 of the APC gene, results from an A to G substitution at nucleotide position 8065. The lysine at codon 2689 is replaced by glutamic acid, an amino acid with similar properties. This amino acid position is highly conserved in available vertebrate species. In addition, in silico predictors for this gene do not accurately predict pathogenicity. Since supporting evidence is limited at this time, the clinical significance of this alteration remains unclear.

Fulgent Genetics
Classification: Uncertain significance for Colorectal cancer; Hepatocellular carcinoma; Desmoid disease, hereditary; Familial adenomatous polyposis 1; Gastric cancer; Gastric adenocarcinoma and proximal polyposis of the stomach. Last evaluated: 2024-02-26. Review status: criteria provided, single submitter. Criteria: ACMG Guidelines, 2015. Collection method: clinical testing. Allele origin: germline.

NM_000038.6(APC):c.8065A>G (p.Lys2689Glu)

Gene: APC (APC regulator of Wnt signaling pathway; plus strand). Cytogenetic location: 5q22.2.
Variant type: single nucleotide variant.
Coding change: c.8065A>G on transcript NM_000038.6 (MANE Select); coding-DNA position 8065, A replaced by G.
Protein change: p.Lys2689Glu; replaces lysine 2689 with glutamic acid.
Molecular consequence: missense variant.
Genome position (GRCh38, 1-based): chr5:112,843,659, A>G. VCF-style: chr5-112843659-A-G. GRCh37 (hg19) VCF-style: chr5-112179356-A-G.
Other names: c.8065A>G, p.Lys2689Glu (NM_001127510.3, NM_001354895.2); c.8011A>G, p.Lys2671Glu (NM_001127511.3); c.8119A>G, p.Lys2707Glu (NM_001354896.2); c.8095A>G, p.Lys2699Glu (NM_001354897.2); c.7990A>G, p.Lys2664Glu (NM_001354898.2); c.7981A>G, p.Lys2661Glu (NM_001354899.2); c.7942A>G, p.Lys2648Glu (NM_001354900.2); c.7888A>G, p.Lys2630Glu (NM_001354901.2); and 5 more; short protein forms K2689E, K2671E, K2648E, K2563E, K2598E, K2664E, K2529E, K2588E.
Identifiers: ClinVar variation 537454 (VCV000537454.17), dbSNP rs1554088874, ClinGen allele CA16038842.